The following is an entry in ClinVar:

NM_001025603.2(RFX5):c.1283A>G (p.Lys428Arg)

Gene: RFX5 (regulatory factor X5; minus strand). Cytogenetic location: 1q21.3.
Variant type: single nucleotide variant.
Coding change: c.1283A>G on transcript NM_001025603.2 (MANE Select); coding-DNA position 1283, A replaced by G.
Protein change: p.Lys428Arg; replaces lysine 428 with arginine.
Molecular consequence: missense variant.
Genome position (GRCh38, 1-based): chr1:151,342,754, T>C on the plus strand (A>G on the coding strand, the complement: RFX5 is on the minus strand). VCF-style: chr1-151342754-T-C. GRCh37 (hg19) VCF-style: chr1-151315230-T-C.
Other names: c.1283A>G, p.Lys428Arg (NM_001379417.1, NM_001379418.1, NM_000449.4 and 5 more transcripts); c.1163A>G, p.Lys388Arg (NM_001379419.1, NM_001379420.1); short protein forms K388R, K428R.
Identifiers: ClinVar variation 3623513 (VCV003623513.2).

ClinVar aggregate classification (germline): Uncertain significance (1 of 4 stars; one submission).

Conditions:
MHC class II deficiency. Also called: Bare lymphocyte syndrome 2; BLS, TYPE II. Identifiers: Orphanet 572, MedGen C5447452, MONDO:0008855.

gnomAD v4.1: 6 of 1,614,176 alleles (0.00037%); highest among the groups gnomAD compares: African/African-American, 0.0053%; no homozygotes.

Submission:

Labcorp Genetics (formerly Invitae), Labcorp
Classification: Uncertain significance for MHC class II deficiency. Last evaluated: 2024-05-23. Review status: criteria provided, single submitter. Criteria: Invitae Variant Classification Sherloc (09022015). Collection method: clinical testing. Allele origin: germline.
Comment: This sequence change replaces lysine, which is basic and polar, with arginine, which is basic and polar, at codon 428 of the RFX5 protein (p.Lys428Arg). This variant is present in population databases (no rsID available, gnomAD no frequency). This variant has not been reported in the literature in individuals affected with RFX5-related conditions. Algorithms developed to predict the effect of missense changes on protein structure and function output the following: SIFT: "Not Available"; PolyPhen-2: "Benign"; Align-GVGD: "Not Available". The arginine amino acid residue is found in multiple mammalian species, which suggests that this missense change does not adversely affect protein function. In summary, the available evidence is currently insufficient to determine the role of this variant in disease. Therefore, it has been classified as a Variant of Uncertain Significance.